The following is an entry in ClinVar:

NC_000002.11:g.(?_233028149)_(233028362_?)dup

Gene: DIS3L2 (DIS3 like 3'-5' exoribonuclease 2; plus strand). Cytogenetic location: 2q37.1.
Variant type: Duplication.
Identifiers: ClinVar variation 584340 (VCV000584340.3).

ClinVar aggregate classification (germline): Uncertain significance (1 of 4 stars; one submission).

Conditions:
Perlman syndrome (PRLMNS). Identifiers: Orphanet 2849, MedGen C0796113, MONDO:0009965, OMIM 267000.

Submission:

Labcorp Genetics (formerly Invitae), Labcorp
Classification: Uncertain significance for Perlman syndrome. Last evaluated: 2022-10-21. Review status: criteria provided, single submitter. Criteria: Invitae Variant Classification Sherloc (09022015). Collection method: clinical testing. Allele origin: germline.
Comment: This variant results in a copy number gain of the genomic region encompassing exon(s) 9 of the DIS3L2 gene. While the exact position of this variant cannot be determined from the data, sub-genic copy number gains are generally in tandem (PMID: 25640679). This variant is predicted to be in-frame, and likely preserves the integrity of the reading frame. This variant has not been reported in the literature in individuals affected with DIS3L2-related conditions. Experimental studies and prediction algorithms are not available or were not evaluated, and the functional significance of this variant is currently unknown. In summary, the available evidence is currently insufficient to determine the role of this variant in disease. Therefore, it has been classified as a Variant of Uncertain Significance.

Literature cited by the submitters: PubMed 25640679.